The following is an entry in ClinVar:

ClinVar aggregate classification (germline): Benign/Likely benign. Review status: criteria provided, multiple submitters, no conflicts (2 of 4 stars). 10 submissions from 10 submitters: Benign (1); Likely benign (8). 1 of the submissions does not count toward it. Last evaluated 2026-06-25.

Conditions:
Retinoblastoma (RB1). Also called: RETINOBLASTOMA, SOMATIC. Identifiers: Orphanet 790, MedGen C0035335, MeSH D012175, MONDO:0008380, OMIM 180200, HP:0009919. Disease mechanism: loss of function. Inheritance: Both sporadic and heritable forms are tested..
RB1-related disorder. Also called: RB1-related condition.
Hereditary cancer-predisposing syndrome. Also called: Hereditary neoplastic syndrome; Neoplastic Syndromes, Hereditary; Hereditary Cancer Syndrome; Tumor predisposition. Identifiers: Orphanet 140162, MedGen C0027672, MeSH D009386, MONDO:0015356.

Allele frequency attached by ClinVar (database versions not stated): TOPMed below 0.00001.
gnomAD v4.1: 15 of 1,611,954 alleles (0.00093%); highest among the groups gnomAD compares: Middle Eastern, 0.13%; no homozygotes.

Submissions (10):

Myriad Genetics, Inc.
Classification: Benign for Retinoblastoma. Last evaluated: 2026-06-25. Review status: criteria provided, single submitter. Criteria: Myriad Autosomal Dominant, Autosomal Recessive and X-Linked Classification Criteria (2023). Collection method: clinical testing. Allele origin: unknown.
Comment: This variant is considered benign. This variant is a silent/synonymous amino acid change and it is not expected to impact splicing.

Labcorp Genetics (formerly Invitae), Labcorp
Classification: Likely benign for Retinoblastoma. Last evaluated: 2025-11-17. Review status: criteria provided, single submitter. Criteria: Invitae Variant Classification Sherloc (09022015). Collection method: clinical testing. Allele origin: germline.

Blueprint Genetics
Classification: Likely benign. Last evaluated: 2024-10-08. Review status: criteria provided, single submitter. Criteria: ACMG Guidelines, 2015. Collection method: clinical testing. Allele origin: germline.

All of Us Research Program, National Institutes of Health
Classification: Likely benign for Retinoblastoma. Last evaluated: 2023-08-23. Review status: criteria provided, single submitter. Criteria: ACMG Guidelines, 2015. Collection method: clinical testing. Allele origin: germline. Inheritance: Autosomal dominant inheritance. Observed: 1 variant allele, 1 heterozygote.
Comment: This study involves interpretation of variants in research participants for the purpose of population health screening. Participant phenotype was not available at the time of variant classification. Additional details can be found in publication PMID: 35346344, PMCID: PMC8962531

KCCC/NGS Laboratory, Kuwait Cancer Control Center
Classification: Likely benign for Retinoblastoma. Last evaluated: 2023-07-07. Review status: criteria provided, single submitter. Criteria: ACMG Guidelines, 2015. Collection method: clinical testing. Allele origin: germline. Affected: yes.

CeGaT Center for Human Genetics Tuebingen
Classification: Likely benign. Last evaluated: 2023-01-01. Review status: criteria provided, single submitter. Criteria: CeGaT Center For Human Genetics Tuebingen Variant Classification Criteria Version 2. Collection method: clinical testing. Allele origin: germline. Affected: yes. Observed: 1 variant allele.
Comment: RB1: BP4, BP7

Color Diagnostics, LLC DBA Color Health
Classification: Likely benign for Retinoblastoma. Last evaluated: 2022-05-04. Review status: criteria provided, single submitter. Criteria: ACMG Guidelines, 2015. Collection method: clinical testing. Allele origin: germline.

Ambry Genetics
Classification: Likely benign for Hereditary cancer-predisposing syndrome. Last evaluated: 2019-07-16. Review status: criteria provided, single submitter. Criteria: Ambry Variant Classification Scheme 2023. Collection method: clinical testing. Allele origin: germline.

Breakthrough Genomics
Classification: Likely benign. Review status: criteria provided, single submitter. Criteria: ACMG Guidelines, 2015. Collection method: not provided. Allele origin: germline. Inheritance: Autosomal dominant inheritance. Affected: yes.

PreventionGenetics, part of Exact Sciences
Classification: Likely benign for RB1-related condition. Last evaluated: 2019-04-24. Review status: no assertion criteria provided. Collection method: clinical testing. Allele origin: germline. Not counted in ClinVar's aggregate classification.
Comment: This variant is classified as likely benign based on ACMG/AMP sequence variant interpretation guidelines (Richards et al. 2015 PMID: 25741868, with internal and published modifications).

NM_000321.3(RB1):c.2406G>A (p.Gly802=)

Gene: RB1 (RB transcriptional corepressor 1; plus strand). Cytogenetic location: 13q14.2.
Variant type: single nucleotide variant.
Coding change: c.2406G>A on transcript NM_000321.3 (MANE Select); coding-DNA position 2406, G replaced by A.
Protein change: p.Gly802=; no amino-acid change (glycine 802 retained).
Molecular consequence: synonymous variant.
Genome position (GRCh38, 1-based): chr13:48,465,285, G>A. VCF-style: chr13-48465285-G-A. GRCh37 (hg19) VCF-style: chr13-49039421-G-A.
Identifiers: ClinVar variation 458147 (VCV000458147.48), dbSNP rs866638680, ClinGen allele CA249310505.